The following is an entry in ClinVar:

NM_000548.5(TSC2):c.366CTT[1] (p.Phe124del)

Gene: TSC2 (TSC complex subunit 2; plus strand). Cytogenetic location: 16p13.3.
Variant type: Microsatellite.
Coding change: c.366CTT[1] on transcript NM_000548.5 (MANE Select); one copy of the 3-base unit CTT starting at c.366; the reference has two copies in a row; one copy, 3 bases deleted; also written c.369_371del.
Protein change: p.Phe124del; deletes phenylalanine 124.
Molecular consequence: inframe deletion. On other transcripts: intron variant (1).
Genome position (GRCh38, 1-based): chr16:2,054,328-2,054,330, CTT deleted; deleting any 3 consecutive bases within chr16:2,054,324-2,054,330 gives the same sequence; the position shown is the placement nearest the transcript's 3' end. VCF-style (leftmost placement, unchanged base first): chr16-2054323-CTCT-C. GRCh37 (hg19) VCF-style: chr16-2104324-CTCT-C.
Other names: c.369_371del (NM_000548.3); c.366CTT[1], p.Phe124del (NM_001077183.3, NM_001114382.3, NM_001363528.2 and 3 more transcripts); c.255CTT[1], p.Phe87del (NM_001318827.2); c.219CTT[1], p.Phe75del (NM_001318829.2); c.399CTT[1], p.Phe135del (NM_001318832.2); c.-1-1868_-1-1866del (NM_001318831.2); short protein forms F124del, F135del, F75del, F87del.
Identifiers: ClinVar variation 535946 (VCV000535946.17), dbSNP rs1342475885, ClinGen allele CA620373021.

ClinVar aggregate classification (germline): Conflicting classifications of pathogenicity. Review status: criteria provided, conflicting classifications (1 of 4 stars). 5 submissions from 5 submitters: Uncertain significance (4); Likely benign (1). Last evaluated 2026-01-26.

Conditions:
Tuberous sclerosis syndrome (TSC). Also called: Tuberous Sclerosis Complex; Tuberous sclerosis. Identifiers: Orphanet 805, MedGen C0041341, MONDO:0001734.
Hereditary cancer-predisposing syndrome. Also called: Neoplastic Syndromes, Hereditary; Tumor predisposition; Hereditary Cancer Syndrome; Hereditary neoplastic syndrome. Identifiers: Orphanet 140162, MedGen C0027672, MeSH D009386, MONDO:0015356.
Tuberous sclerosis 2 (TSC2). Identifiers: Orphanet 805, MedGen C1860707, MONDO:0013199, OMIM 613254.

Submissions (5):

Labcorp Genetics (formerly Invitae), Labcorp
Classification: Likely benign for Tuberous sclerosis 2. Last evaluated: 2026-01-26. Review status: criteria provided, single submitter. Criteria: Invitae Variant Classification Sherloc (09022015). Collection method: clinical testing. Allele origin: germline.

Ambry Genetics
Classification: Uncertain significance for Hereditary cancer-predisposing syndrome. Last evaluated: 2024-06-17. Review status: criteria provided, single submitter. Criteria: Ambry Variant Classification Scheme 2023. Collection method: clinical testing. Allele origin: germline.
Comment: The c.369_371delCTT variant (also known as p.F124del) is located in coding exon 4 of the TSC2 gene. This variant results from an in-frame CTT deletion at nucleotide positions 369 to 371. This results in the in-frame deletion of a phenylalanine at codon 124. This amino acid position is highly conserved in available vertebrate species. In addition, this alteration is predicted to be deleterious by in silico analysis (Choi Y et al. PLoS ONE. 2012; 7(10):e46688). Since supporting evidence is limited at this time, the clinical significance of this alteration remains unclear.

Quest Diagnostics Nichols Institute San Juan Capistrano
Classification: Uncertain significance. Last evaluated: 2023-10-16. Review status: criteria provided, single submitter. Criteria: Quest Diagnostics criteria. Collection method: clinical testing. Allele origin: unknown.

All of Us Research Program, National Institutes of Health
Classification: Uncertain significance for Tuberous sclerosis syndrome. Last evaluated: 2023-08-15. Review status: criteria provided, single submitter. Criteria: ACMG Guidelines, 2015. Collection method: clinical testing. Allele origin: germline. Inheritance: Autosomal dominant inheritance. Observed: 1 variant allele, 1 heterozygote.
Comment: This variant is a deletion of one amino acid at position 124 of the TSC2 protein. To our knowledge, functional studies have not been reported for this variant. This variant has not been reported in individuals affected with TSC2-related disorders in the literature. This variant has been identified in 1/31396 chromosomes in the general population by the Genome Aggregation Database (gnomAD). The available evidence is insufficient to determine the role of this variant in disease conclusively. Therefore, this variant is classified as a Variant of Uncertain Significance.

This study involves interpretation of variants in research participants for the purpose of population health screening. Participant phenotype was not available at the time of variant classification. Additional details can be found in publication PMID: 35346344, PMCID: PMC8962531

GeneDx
Classification: Uncertain significance. Last evaluated: 2022-05-06. Review status: criteria provided, single submitter. Criteria: GeneDx Variant Classification Process June 2021. Collection method: clinical testing. Allele origin: germline. Affected: yes.
Comment: In silico analysis supports a deleterious effect on protein structure/function; Has not been previously published as pathogenic or benign to our knowledge; This variant is associated with the following publications: (PMID: 18466115)